The following is an entry in ClinVar:

NM_000142.5(FGFR3):c.1493G>A (p.Arg498Gln)

Gene: FGFR3 (fibroblast growth factor receptor 3; plus strand). Cytogenetic location: 4p16.3.
Variant type: single nucleotide variant.
Coding change: c.1493G>A on transcript NM_000142.5 (MANE Select); coding-DNA position 1493, G replaced by A.
Protein change: p.Arg498Gln; replaces arginine 498 with glutamine.
Molecular consequence: missense variant. On other transcripts: non-coding transcript variant (1).
Genome position (GRCh38, 1-based): chr4:1,805,435, G>A. VCF-style: chr4-1805435-G-A. GRCh37 (hg19) VCF-style: chr4-1807162-G-A.
Other names: c.1496G>A, p.Arg499Gln (NM_001354809.2, NM_001354810.2); c.1157G>A, p.Arg386Gln (NM_022965.4); c.1499G>A, p.Arg500Gln (NM_001163213.2); short protein forms R499Q, R386Q, R498Q, R500Q.
Identifiers: ClinVar variation 2722315 (VCV002722315.4), dbSNP rs1184790681, ClinGen allele CA355981159.

ClinVar aggregate classification (germline): Uncertain significance. Review status: criteria provided, multiple submitters, no conflicts (2 of 4 stars). 2 submissions from 2 submitters: Uncertain significance (2). Last evaluated 2025-09-26.

Conditions:
FGFR3-related disorder. Also called: FGFR3-related disorders.

Allele frequency attached by ClinVar (database versions not stated): gnomAD exomes 0.00001; TOPMed 0.00001.
gnomAD v4.1: 13 of 1,611,780 alleles (0.00081%); highest among the groups gnomAD compares: East Asian, 0.0022%; no homozygotes.

Submissions (2):

PreventionGenetics, part of Exact Sciences
Classification: Uncertain significance for FGFR3-related condition. Last evaluated: 2025-09-26. Review status: criteria provided, single submitter. Criteria: ACMG Guidelines, 2015. Collection method: clinical testing. Allele origin: germline.
Comment: The FGFR3 c.1493G>A variant is predicted to result in the amino acid substitution p.Arg498Gln. To our knowledge, this variant has not been reported in the literature. This variant is reported in 0.0055% of alleles in individuals of East Asian descent in gnomAD. At this time, the clinical significance of this variant is uncertain due to the absence of conclusive functional and genetic evidence.

Labcorp Genetics (formerly Invitae), Labcorp
Classification: Uncertain significance. Last evaluated: 2024-06-17. Review status: criteria provided, single submitter. Criteria: Invitae Variant Classification Sherloc (09022015). Collection method: clinical testing. Allele origin: germline.
Comment: This sequence change replaces arginine, which is basic and polar, with glutamine, which is neutral and polar, at codon 498 of the FGFR3 protein (p.Arg498Gln). This variant is present in population databases (no rsID available, gnomAD 0.006%). This variant has not been reported in the literature in individuals affected with FGFR3-related conditions. Advanced modeling of protein sequence and biophysical properties (such as structural, functional, and spatial information, amino acid conservation, physicochemical variation, residue mobility, and thermodynamic stability) has been performed at Invitae for this missense variant, however the output from this modeling did not meet the statistical confidence thresholds required to predict the impact of this variant on FGFR3 protein function. In summary, the available evidence is currently insufficient to determine the role of this variant in disease. Therefore, it has been classified as a Variant of Uncertain Significance.